The following is an entry in ClinVar:

ClinVar aggregate classification (germline): Likely pathogenic (1 of 4 stars; one submission).

Conditions:
Ehlers-Danlos syndrome, type 4 (EDSVASC). Also called: Ehlers-Danlos syndrome vascular type; Ehlers Danlos syndrome, ecchymotic type; Ehlers Danlos syndrome, arterial type; Ehlers Danlos syndrome, Sack-Barabas type; Ehlers-Danlos Syndrome Type IV. Identifiers: Orphanet 286, MedGen C0268338, MONDO:0017314, OMIM 130050.

Submission:

Labcorp Genetics (formerly Invitae), Labcorp
Classification: Likely pathogenic for Ehlers-Danlos syndrome, type 4. Last evaluated: 2022-10-05. Review status: criteria provided, single submitter. Criteria: Invitae Variant Classification Sherloc (09022015). Collection method: clinical testing. Allele origin: germline.
Comment: In summary, the currently available evidence indicates that the variant is pathogenic, but additional data are needed to prove that conclusively. Therefore, this variant has been classified as Likely Pathogenic. This variant has been observed in individual(s) with clinical features of COL3A1-related conditions (Invitae). In at least one individual the variant was observed to be de novo. This variant is not present in population databases (gnomAD no frequency). This variant, c.785_786insTTT, is a complex sequence change that results in the deletion of 1 and insertion of 2 amino acid(s) in the COL3A1 protein (p.Met262delinsIleLeu).

NM_000090.4(COL3A1):c.785_786insTTT (p.Met262delinsIleLeu)

Gene: COL3A1 (collagen type III alpha 1 chain; plus strand). Cytogenetic location: 2q32.2.
Variant type: Insertion.
Coding change: c.785_786insTTT on transcript NM_000090.4 (MANE Select); coding-DNA positions 785 to 786, TTT inserted.
Protein change: p.Met262delinsIleLeu.
Molecular consequence: inframe indel.
Genome position: GRCh38 VCF-style: chr2-188990346-A-ATTT. GRCh37 (hg19) VCF-style: chr2-189855072-A-ATTT.
Identifiers: ClinVar variation 2123755 (VCV002123755.4), dbSNP rs2469118675, ClinGen allele CA2580065300.
Genomic context (GRCh38, chr2:188,990,346, plus strand): 5'-TTTTTCATTCATTATTTTTAGGGTATCAAAGGTCCAGCTGGGATACCTGGATTCCCTGGT[A>ATTT]TGAAAGGACACAGAGTAAGTAGAGTTTCTAAGTTGTTTACAAGGTATTCCACTGGGCTAT-3'